The following is an entry in ClinVar:

NM_001112741.2(KCNC1):c.1321A>G (p.Met441Val)

Gene: KCNC1 (potassium voltage-gated channel subfamily C member 1; plus strand). Cytogenetic location: 11p15.1.
Variant type: single nucleotide variant.
Coding change: c.1321A>G on transcript NM_001112741.2 (MANE Select); coding-DNA position 1321, A replaced by G.
Protein change: p.Met441Val; replaces methionine 441 with valine.
Molecular consequence: missense variant.
Genome position (GRCh38, 1-based): chr11:17,772,415, A>G. VCF-style: chr11-17772415-A-G. GRCh37 (hg19) VCF-style: chr11-17793962-A-G.
Other names: c.1321A>G, p.Met441Val (NM_004976.4); short protein forms M441V.
Identifiers: ClinVar variation 4738595 (VCV004738595.1).

ClinVar aggregate classification (germline): Uncertain significance (1 of 4 stars; one submission).

Conditions:
Progressive myoclonic epilepsy type 7. Identifiers: Orphanet 435438, MedGen C4015420, MONDO:0014521, OMIM 616187.

gnomAD v4.1: 2 of 1,614,190 alleles (0.00012%); highest among the groups gnomAD compares: Non-Finnish European, 0.00017%; no homozygotes.

Submission:

Labcorp Genetics (formerly Invitae), Labcorp
Classification: Uncertain significance for Progressive myoclonic epilepsy type 7. Last evaluated: 2025-08-04. Review status: criteria provided, single submitter. Criteria: Invitae Variant Classification Sherloc (09022015). Collection method: clinical testing. Allele origin: germline.
Comment: This sequence change replaces methionine, which is neutral and non-polar, with valine, which is neutral and non-polar, at codon 441 of the KCNC1 protein (p.Met441Val). This variant is not present in population databases (gnomAD no frequency). This variant has not been reported in the literature in individuals affected with KCNC1-related conditions. Invitae Evidence Modeling of protein sequence and biophysical properties (such as structural, functional, and spatial information, amino acid conservation, physicochemical variation, residue mobility, and thermodynamic stability) indicates that this missense variant is not expected to disrupt KCNC1 protein function with a negative predictive value of 80%. In summary, the available evidence is currently insufficient to determine the role of this variant in disease. Therefore, it has been classified as a Variant of Uncertain Significance.